The following is an entry in ClinVar:

NM_005909.5(MAP1B):c.2923G>A (p.Glu975Lys)

Gene: MAP1B (microtubule associated protein 1B; plus strand). Cytogenetic location: 5q13.2.
Variant type: single nucleotide variant.
Coding change: c.2923G>A on transcript NM_005909.5 (MANE Select); coding-DNA position 2923, G replaced by A.
Protein change: p.Glu975Lys; replaces glutamic acid 975 with lysine.
Molecular consequence: missense variant.
Genome position (GRCh38, 1-based): chr5:72,196,278, G>A. VCF-style: chr5-72196278-G-A. GRCh37 (hg19) VCF-style: chr5-71492105-G-A.
Other names: c.2923G>A (NM_005909.4); c.2545G>A, p.Glu849Lys (NM_001324255.2); short protein forms E975K, E849K.
Identifiers: ClinVar variation 2395022 (VCV002395022.3), dbSNP rs761554987, ClinGen allele CA3298909.

ClinVar aggregate classification (germline): Conflicting classifications of pathogenicity. Review status: criteria provided, conflicting classifications (1 of 4 stars). 2 submissions from 2 submitters: Uncertain significance (1); Likely benign (1). Last evaluated 2026-05-17.

Conditions:
MAP1B-related disorder. Also called: MAP1B-related condition.
Inborn genetic diseases. Identifiers: MedGen C0950123, MeSH D030342.

Allele frequency attached by ClinVar (database versions not stated): gnomAD 0.00001; gnomAD exomes 0.00002; TOPMed 0.00003; ExAC 0.00007.

Submissions (2):

PreventionGenetics, part of Exact Sciences
Classification: Likely benign for MAP1B-related condition. Last evaluated: 2026-05-17. Review status: criteria provided, single submitter. Criteria: ACMG Guidelines, 2015. Collection method: clinical testing. Allele origin: germline.
Comment: This variant is classified as likely benign based on ACMG/AMP sequence variant interpretation guidelines (Richards et al. 2015 PMID: 25741868, with internal and published modifications).

Ambry Genetics
Classification: Uncertain significance for Inborn genetic diseases. Last evaluated: 2021-08-17. Review status: criteria provided, single submitter. Criteria: Ambry Variant Classification Scheme 2023. Collection method: clinical testing. Allele origin: germline.